The following is an entry in ClinVar:

NM_032043.3(BRIP1):c.1470G>T (p.Leu490Phe)

Gene: BRIP1 (BRCA1 interacting DNA helicase 1; minus strand). Cytogenetic location: 17q23.2.
Variant type: single nucleotide variant.
Coding change: c.1470G>T on transcript NM_032043.3 (MANE Select); coding-DNA position 1470, G replaced by T.
Protein change: p.Leu490Phe; replaces leucine 490 with phenylalanine.
Molecular consequence: missense variant.
Genome position (GRCh38, 1-based): chr17:61,793,600, C>A on the plus strand (G>T on the coding strand, the complement: BRIP1 is on the minus strand). VCF-style: chr17-61793600-C-A. GRCh37 (hg19) VCF-style: chr17-59870961-C-A.
Other names: short protein forms L490F.
Identifiers: ClinVar variation 628211 (VCV000628211.16), dbSNP rs1567824994, ClinGen allele CA400482036.

ClinVar aggregate classification (germline): Uncertain significance. Review status: criteria provided, multiple submitters, no conflicts (2 of 4 stars). 5 submissions from 5 submitters: Uncertain significance (5). Last evaluated 2025-10-22.

Conditions:
Hereditary cancer-predisposing syndrome. Also called: Tumor predisposition; Neoplastic Syndromes, Hereditary; Hereditary Cancer Syndrome; Hereditary neoplastic syndrome. Identifiers: Orphanet 140162, MedGen C0027672, MeSH D009386, MONDO:0015356.
Familial cancer of breast. Also called: BREAST CANCER, FAMILIAL; Hereditary breast cancer; hereditary breast carcinoma. Identifiers: Orphanet 227535, MedGen C0346153, MONDO:0016419, OMIM 114480. Disease mechanism: loss of function.
Fanconi anemia complementation group J. Also called: BRIP1-Related Fanconi Anemia. Identifiers: Orphanet 84, MedGen C1836860, MONDO:0012187, OMIM 609054.

gnomAD v4.1: 1 of 1,604,030 alleles (0.000062%); no homozygotes.

Submissions (5):

Labcorp Genetics (formerly Invitae), Labcorp
Classification: Uncertain significance for Familial cancer of breast; Fanconi anemia complementation group J. Last evaluated: 2025-10-22. Review status: criteria provided, single submitter. Criteria: Invitae Variant Classification Sherloc (09022015). Collection method: clinical testing. Allele origin: germline.
Comment: This sequence change replaces leucine, which is neutral and non-polar, with phenylalanine, which is neutral and non-polar, at codon 490 of the BRIP1 protein (p.Leu490Phe). This variant is not present in population databases (gnomAD no frequency). This variant has not been reported in the literature in individuals affected with BRIP1-related conditions. ClinVar contains an entry for this variant (Variation ID: 628211). Invitae Evidence Modeling of protein sequence and biophysical properties (such as structural, functional, and spatial information, amino acid conservation, physicochemical variation, residue mobility, and thermodynamic stability) indicates that this missense variant is not expected to disrupt BRIP1 protein function with a negative predictive value of 95%. In summary, the available evidence is currently insufficient to determine the role of this variant in disease. Therefore, it has been classified as a Variant of Uncertain Significance.

Ambry Genetics
Classification: Uncertain significance for Hereditary cancer-predisposing syndrome. Last evaluated: 2025-09-28. Review status: criteria provided, single submitter. Criteria: Ambry Variant Classification Scheme 2023. Collection method: clinical testing. Allele origin: germline.
Comment: The p.L490F variant (also known as c.1470G>T), located in coding exon 9 of the BRIP1 gene, results from a G to T substitution at nucleotide position 1470. The leucine at codon 490 is replaced by phenylalanine, an amino acid with highly similar properties. This amino acid position is conserved. In addition, the in silico prediction for this alteration is inconclusive. Since supporting evidence is limited at this time, the clinical significance of this alteration remains unclear.

Color Diagnostics, LLC DBA Color Health
Classification: Uncertain significance for Hereditary cancer-predisposing syndrome. Last evaluated: 2023-12-04. Review status: criteria provided, single submitter. Criteria: ACMG Guidelines, 2015. Collection method: clinical testing. Allele origin: germline.
Comment: This missense variant replaces leucine with phenylalanine at codon 490 of the BRIP1 protein. Computational prediction suggests that this variant may not impact protein structure and function (internally defined REVEL score threshold <= 0.5, PMID: 27666373). To our knowledge, functional studies have not been reported for this variant. This variant has not been reported in individuals affected with BRIP1-related disorders in the literature. This variant has not been identified in the general population by the Genome Aggregation Database (gnomAD). The available evidence is insufficient to determine the role of this variant in disease conclusively. Therefore, this variant is classified as a Variant of Uncertain Significance.

Baylor Genetics
Classification: Uncertain significance for Familial cancer of breast. Last evaluated: 2023-10-25. Review status: criteria provided, single submitter. Criteria: ACMG Guidelines, 2015. Collection method: clinical testing. Allele origin: unknown.

Blueprint Genetics
Classification: Uncertain significance. Last evaluated: 2020-06-22. Review status: criteria provided, single submitter. Criteria: ACMG Guidelines, 2015. Collection method: clinical testing. Allele origin: germline.